The following is an entry in ClinVar:

NM_133497.4(KCNV2):c.757C>G (p.Pro253Ala)

Gene: KCNV2 (potassium voltage-gated channel modifier subfamily V member 2; plus strand). Cytogenetic location: 9p24.2.
Variant type: single nucleotide variant.
Coding change: c.757C>G on transcript NM_133497.4 (MANE Select); coding-DNA position 757, C replaced by G.
Protein change: p.Pro253Ala; replaces proline 253 with alanine.
Molecular consequence: missense variant.
Genome position (GRCh38, 1-based): chr9:2,718,496, C>G. VCF-style: chr9-2718496-C-G. GRCh37 (hg19) VCF-style: chr9-2718496-C-G.
Other names: short protein forms P253A.
Identifiers: ClinVar variation 1035498 (VCV001035498.6), dbSNP rs1819788466, ClinGen allele CA372799111.
Genomic context (GRCh38, chr9:2,718,496, plus strand): 5'-TTCCGCGACATGCGCTTCTACGGCCCGCAGCGGCGCCGCCTCTGGAACCTCATGGAGAAG[C>G]CATTCTCCTCGGTGGCCGCCAAGGCCATCGGGGTGGCCTCCAGCACCTTCGTGCTCGTCT-3'
Protein context (NP_598004.1, residues 243-263): RRRLWNLMEK[Pro253Ala]FSSVAAKAIG

ClinVar aggregate classification (germline): Uncertain significance (1 of 4 stars; one submission).

Submission:

Labcorp Genetics (formerly Invitae), Labcorp
Classification: Uncertain significance. Last evaluated: 2022-10-04. Review status: criteria provided, single submitter. Criteria: Invitae Variant Classification Sherloc (09022015). Collection method: clinical testing. Allele origin: germline.
Comment: In summary, the available evidence is currently insufficient to determine the role of this variant in disease. Therefore, it has been classified as a Variant of Uncertain Significance. Advanced modeling of protein sequence and biophysical properties (such as structural, functional, and spatial information, amino acid conservation, physicochemical variation, residue mobility, and thermodynamic stability) performed at Invitae indicates that this missense variant is expected to disrupt KCNV2 protein function. ClinVar contains an entry for this variant (Variation ID: 1035498). This variant has not been reported in the literature in individuals affected with KCNV2-related conditions. This variant is not present in population databases (gnomAD no frequency). This sequence change replaces proline, which is neutral and non-polar, with alanine, which is neutral and non-polar, at codon 253 of the KCNV2 protein (p.Pro253Ala).